The following is an entry in ClinVar:

ClinVar aggregate classification (germline): Uncertain significance (1 of 4 stars; one submission).

Conditions:
RASopathy. Also called: rasopathies; Noonan spectrum disorder. Identifiers: Orphanet 536391, MedGen C5555857, MONDO:0021060.

Submission:

Labcorp Genetics (formerly Invitae), Labcorp
Classification: Uncertain significance for RASopathy. Last evaluated: 2023-02-18. Review status: criteria provided, single submitter. Criteria: Invitae Variant Classification Sherloc (09022015). Collection method: clinical testing. Allele origin: germline.
Comment: In summary, the available evidence is currently insufficient to determine the role of this variant in disease. Therefore, it has been classified as a Variant of Uncertain Significance. Advanced modeling of protein sequence and biophysical properties (such as structural, functional, and spatial information, amino acid conservation, physicochemical variation, residue mobility, and thermodynamic stability) has been performed at Invitae for this missense variant, however the output from this modeling did not meet the statistical confidence thresholds required to predict the impact of this variant on MAP2K2 protein function. This variant has not been reported in the literature in individuals affected with MAP2K2-related conditions. This variant is not present in population databases (gnomAD no frequency). This sequence change replaces glycine, which is neutral and non-polar, with arginine, which is basic and polar, at codon 21 of the MAP2K2 protein (p.Gly21Arg).

NM_030662.4(MAP2K2):c.61G>C (p.Gly21Arg)

Genes: MAP2K2 (mitogen-activated protein kinase kinase 2; minus strand), LOC130063193 (ATAC-STARR-seq lymphoblastoid silent region 9881; plus strand). Cytogenetic location: 19p13.3.
Variant type: single nucleotide variant.
Coding change: c.61G>C on transcript NM_030662.4 (MANE Select); coding-DNA position 61, G replaced by C.
Protein change: p.Gly21Arg; replaces glycine 21 with arginine.
Molecular consequence: missense variant.
Genome position (GRCh38, 1-based): chr19:4,123,815, C>G on the plus strand (G>C on the coding strand, the complement: MAP2K2 is on the minus strand). VCF-style: chr19-4123815-C-G. GRCh37 (hg19) VCF-style: chr19-4123812-C-G.
Other names: short protein forms G21R.
Identifiers: ClinVar variation 2838666 (VCV002838666.3), dbSNP rs2512327845, ClinGen allele CA403395975.